The following is an entry in ClinVar:

NM_014780.5(CUL7):c.4780dup (p.Glu1594fs)

Gene: CUL7 (cullin 7; minus strand). Cytogenetic location: 6p21.1.
Variant type: Duplication.
Coding change: c.4780dup on transcript NM_014780.5 (MANE Select); coding-DNA position 4780, one base duplicated (G; older notation c.4780dupG).
Protein change: p.Glu1594fs; shifts the reading frame from glutamic acid 1594.
Molecular consequence: frameshift variant.
Genome position (GRCh38, 1-based): chr6:43,038,005, C duplicated on the plus strand (G on the coding strand, the reverse complement: CUL7 is on the minus strand); the first of 2 consecutive C bases (chr6:43,038,005-43,038,006); duplicating either gives the same sequence. VCF-style (leftmost placement, unchanged base first): chr6-43038004-T-TC. GRCh37 (hg19) VCF-style: chr6-43005742-T-TC.
Other names: c.4876dup, p.Glu1626fs (NM_001168370.2, NM_001374872.1); c.4792dup, p.Glu1598fs (NM_001374873.1); c.4777dup, p.Glu1593fs (NM_001374874.1); short protein forms E1594fs, E1598fs, E1626fs, E1593fs.
Identifiers: ClinVar variation 2017682 (VCV002017682.3), dbSNP rs1763093575, ClinGen allele CA1624334413.

ClinVar aggregate classification (germline): Pathogenic (1 of 4 stars; one submission).

Submission:

Labcorp Genetics (formerly Invitae), Labcorp
Classification: Pathogenic. Last evaluated: 2022-09-06. Review status: criteria provided, single submitter. Criteria: Invitae Variant Classification Sherloc (09022015). Collection method: clinical testing. Allele origin: germline.
Comment: For these reasons, this variant has been classified as Pathogenic. This variant disrupts the C-terminus of the CUL7 protein. Other variant(s) that disrupt this region (p.Asp1638*) have been observed in individuals with CUL7-related conditions (PMID: 28969986). This suggests that this may be a clinically significant region of the protein. Experimental studies have shown that this premature translational stop signal affects CUL7 function (PMID: 24793695). Algorithms developed to predict the effect of variants on protein structure and function are not available or were not evaluated for this variant. This variant is also known as 4781insG. This premature translational stop signal has been observed in individual(s) with clinical features of 3-M syndrome (PMID: 16142236; Invitae). In at least one individual the data is consistent with being in trans (on the opposite chromosome) from a pathogenic variant. This variant is not present in population databases (gnomAD no frequency). This sequence change creates a premature translational stop signal (p.Glu1594Glyfs*19) in the CUL7 gene. While this is not anticipated to result in nonsense mediated decay, it is expected to disrupt the last 105 amino acid(s) of the CUL7 protein.

Literature cited by the submitters: PubMed 28969986; PubMed 24793695; PubMed 16142236.